The following is an entry in ClinVar:

ClinVar aggregate classification (germline): Conflicting classifications of pathogenicity. Review status: criteria provided, conflicting classifications (1 of 4 stars). 14 submissions from 14 submitters: Uncertain significance (1); Benign (5); Likely benign (4). 4 of the submissions do not count toward it. Last evaluated 2026-06-01.

Conditions:
Cardiovascular phenotype. Identifiers: MedGen CN230736.
Hypertrophic cardiomyopathy. Also called: HYPERTROPHIC MYOCARDIOPATHY. Identifiers: Orphanet 217569, MedGen C0007194, MeSH D002312, MONDO:0005045, HP:0001639.

Allele frequency attached by ClinVar (database versions not stated): 1000 Genomes Project 30x 0.00016; 1000 Genomes Project 0.00020; gnomAD exomes 0.00042 and 0.00069; gnomAD 0.00048 and 0.00051; TOPMed 0.00064; ExAC 0.00278.
gnomAD v4.1: 655 of 1,443,946 alleles (0.045%); highest among the groups gnomAD compares: Middle Eastern, 0.42%; 3 homozygotes.

Submissions (14):

CeGaT Center for Human Genetics Tuebingen
Classification: Benign. Last evaluated: 2026-06-01. Review status: criteria provided, single submitter. Criteria: CeGaT Center For Human Genetics Tuebingen Variant Classification Criteria Version 2. Collection method: clinical testing. Allele origin: germline. Affected: yes. Observed: 2 variant alleles.
Comment: JPH2: BS1, BS2

Labcorp Genetics (formerly Invitae), Labcorp
Classification: Benign for Hypertrophic cardiomyopathy. Last evaluated: 2026-01-20. Review status: criteria provided, single submitter. Criteria: Invitae Variant Classification Sherloc (09022015). Collection method: clinical testing. Allele origin: germline.

Blueprint Genetics
Classification: Likely benign. Last evaluated: 2024-10-30. Review status: criteria provided, single submitter. Criteria: ACMG Guidelines, 2015. Collection method: clinical testing. Allele origin: germline.

Women's Health and Genetics/Laboratory Corporation of America, LabCorp
Classification: Benign. Last evaluated: 2024-03-12. Review status: criteria provided, single submitter. Criteria: LabCorp Variant Classification Summary - May 2015. Collection method: clinical testing. Allele origin: germline.
Comment: Variant summary: JPH2 c.572C>G (p.Pro191Arg) results in a non-conservative amino acid change in the encoded protein sequence. Four of five in-silico tools predict a benign effect of the variant on protein function. The variant allele was found at a frequency of 0.00069 in 58082 control chromosomes. The observed variant frequency is approximately 28 fold of the estimated maximal expected allele frequency for a pathogenic variant in JPH2 causing Cardiomyopathy phenotype (2.5e-05), strongly suggesting that the variant is benign. To our knowledge, no occurrence of c.572C>G in individuals affected with Cardiomyopathy and no experimental evidence demonstrating its impact on protein function have been reported. ClinVar contains an entry for this variant (Variation ID: 201796). Based on the evidence outlined above, the variant was classified as benign.

ARUP Laboratories, Molecular Genetics and Genomics, ARUP Laboratories
Classification: Likely benign. Last evaluated: 2023-10-19. Review status: criteria provided, single submitter. Criteria: ARUP Molecular Germline Variant Investigation Process 2024. Collection method: clinical testing. Allele origin: germline.

GeneDx
Classification: Likely benign. Last evaluated: 2021-09-24. Review status: criteria provided, single submitter. Criteria: GeneDx Variant Classification Process June 2021. Collection method: clinical testing. Allele origin: germline. Affected: yes.
Comment: This variant is associated with the following publications: (PMID: 30847666, 29874181)

Laboratory for Molecular Medicine, Mass General Brigham Personalized Medicine
Classification: Benign. Last evaluated: 2020-08-18. Review status: criteria provided, single submitter. Criteria: LMM Criteria. Collection method: clinical testing. Allele origin: germline. Observed: 2 variant alleles.
Comment: The p.Pro191Arg variant in JPH2 is classified as benign because it has been identified in 0.7% (26/3474) of Ashkenazi Jewish chromosomes and in 0.05% (46/88966) of the total chromosomes by gnomAD. ACMG/AMP Criteria applied: BA1.

Molecular Diagnostic Laboratory for Inherited Cardiovascular Disease, Montreal Heart Institute
Classification: Likely benign. Last evaluated: 2017-04-11. Review status: criteria provided, single submitter. Criteria: ACMG Guidelines, 2015. Collection method: clinical testing. Allele origin: germline. Affected: yes.

Stanford Center for Inherited Cardiovascular Disease, Stanford University
Classification: Uncertain significance. Last evaluated: 2016-03-10. Review status: criteria provided, single submitter. Criteria: ACMG Guidelines, 2015. Collection method: provider interpretation. Allele origin: germline.

Ambry Genetics
Classification: Benign for Cardiovascular phenotype. Last evaluated: 2015-06-18. Review status: criteria provided, single submitter. Criteria: Ambry Variant Classification Scheme 2023. Collection method: clinical testing. Allele origin: germline.

Clinical Genetics DNA and cytogenetics Diagnostics Lab, Erasmus MC, Erasmus Medical Center
Classification: Likely benign. Review status: no assertion criteria provided. Collection method: clinical testing. Allele origin: germline. Affected: yes. Study: VKGL Data-share Consensus. Not counted in ClinVar's aggregate classification.

Clinical Genetics, Academic Medical Center
Classification: Likely benign. Review status: no assertion criteria provided. Collection method: clinical testing. Allele origin: germline. Affected: yes. Study: VKGL Data-share Consensus. Not counted in ClinVar's aggregate classification.

Genome Diagnostics Laboratory, University Medical Center Utrecht
Classification: Likely benign. Review status: no assertion criteria provided. Collection method: clinical testing. Allele origin: germline. Affected: yes. Study: VKGL Data-share Consensus. Not counted in ClinVar's aggregate classification.

Joint Genome Diagnostic Labs from Nijmegen and Maastricht, Radboudumc and MUMC+
Classification: Likely benign. Review status: no assertion criteria provided. Collection method: clinical testing. Allele origin: germline. Affected: yes. Study: VKGL Data-share Consensus. Not counted in ClinVar's aggregate classification.

NM_020433.5(JPH2):c.572C>G (p.Pro191Arg)

Gene: JPH2 (junctophilin 2; minus strand). Cytogenetic location: 20q13.12.
Variant type: single nucleotide variant.
Coding change: c.572C>G on transcript NM_020433.5 (MANE Select); coding-DNA position 572, C replaced by G.
Protein change: p.Pro191Arg; replaces proline 191 with arginine.
Molecular consequence: missense variant.
Genome position (GRCh38, 1-based): chr20:44,160,215, G>C on the plus strand (C>G on the coding strand, the complement: JPH2 is on the minus strand). VCF-style: chr20-44160215-G-C. GRCh37 (hg19) VCF-style: chr20-42788855-G-C.
Other names: p.P191R:CCC>CGC; short protein forms P191R.
Identifiers: ClinVar variation 201796 (VCV000201796.54), dbSNP rs554853074, ClinGen allele CA335220.